The following is an entry in ClinVar:

NM_012243.3(SLC35A3):c.876dup (p.Val293fs)

Gene: SLC35A3 (solute carrier family 35 member A3; plus strand). Cytogenetic location: 1p21.2.
Variant type: Duplication.
Coding change: c.876dup on transcript NM_012243.3 (MANE Select); coding-DNA position 876, one base duplicated (T; older notation c.876dupT).
Protein change: p.Val293fs; shifts the reading frame from valine 293.
Molecular consequence: frameshift variant. On other transcripts: intron variant (4).
Genome position (GRCh38, 1-based): chr1:100,017,804, T duplicated; the last of 4 consecutive T bases (chr1:100,017,801-100,017,804); duplicating any one gives the same sequence. VCF-style (leftmost placement, unchanged base first): chr1-100017800-A-AT. GRCh37 (hg19) VCF-style: chr1-100483356-A-AT.
Other names: c.1002dup, p.Val335fs (NM_001271685.2); c.753dup, p.Val252fs (NM_001437717.1); c.876dup, p.Val293fs (NM_001438725.1); c.753+2384dup (NM_001438728.1); c.635-4582dup (NM_001271684.2); c.630+2384dup (NM_001437713.1); c.512-4582dup (NM_001438729.1); short protein forms V252fs, V293fs, V335fs.
Identifiers: ClinVar variation 4815565 (VCV004815565.1).

ClinVar aggregate classification (germline): Likely pathogenic (1 of 4 stars; one submission).

Conditions:
Autism spectrum disorder - epilepsy - arthrogryposis syndrome (AMRS). Identifiers: Orphanet 370943, MedGen C3809910, MONDO:0014248, OMIM 615553.

Submission:

Natera, Inc.
Classification: Likely pathogenic for Arthrogryposis, mental retardation, and seizures. Last evaluated: 2024-10-02. Review status: criteria provided, single submitter. Criteria: Natera Variant Classification Schema (03/2026). Collection method: clinical testing. Allele origin: germline.
Comment: The c.876dup variant in SLC35A3 is a frameshift variant predicted to shift the reading frame beginning at codon 293 and leads to a stop codon 23 codons downstream. This variant is expected to result in nonsense mediated decay, truncation, or a dysfunctional protein product. This variant is rare in the general population with a frequency below the threshold expected for the associated phenotype(s). Given the available evidence, this variant is classified as Likely Pathogenic.